The following is an entry in ClinVar:

ClinVar aggregate classification (germline): Uncertain significance (1 of 4 stars; one submission).

Submission:

GeneDx
Classification: Uncertain significance. Last evaluated: 2025-03-20. Review status: criteria provided, single submitter. Criteria: GeneDx Variant Classification Process June 2021. Collection method: clinical testing. Allele origin: germline. Affected: yes.
Comment: Not observed at significant frequency in large population cohorts (gnomAD); In silico analysis supports that this missense variant has a deleterious effect on protein structure/function; Has not been previously published as pathogenic or benign to our knowledge

NM_001394062.1(MACF1):c.200A>G (p.Glu67Gly)

Gene: MACF1 (microtubule actin crosslinking factor 1; plus strand). Cytogenetic location: 1p34.3.
Variant type: single nucleotide variant.
Coding change: c.200A>G on transcript NM_001394062.1 (MANE Select); coding-DNA position 200, A replaced by G.
Protein change: p.Glu67Gly; replaces glutamic acid 67 with glycine.
Molecular consequence: missense variant.
Genome position (GRCh38, 1-based): chr1:39,250,042, A>G. VCF-style: chr1-39250042-A-G. GRCh37 (hg19) VCF-style: chr1-39715714-A-G.
Other names: c.311A>G, p.Glu104Gly (NM_012090.5); short protein forms E104G, E67G.
Identifiers: ClinVar variation 4086422 (VCV004086422.1).